The following is an entry in ClinVar:

NM_006907.4(PYCR1):c.892A>T (p.Thr298Ser)

Gene: PYCR1 (pyrroline-5-carboxylate reductase 1; minus strand). Cytogenetic location: 17q25.3.
Variant type: single nucleotide variant.
Coding change: c.892A>T on transcript NM_006907.4 (MANE Select); coding-DNA position 892, A replaced by T.
Protein change: p.Thr298Ser; replaces threonine 298 with serine.
Molecular consequence: missense variant. On other transcripts: 3 prime UTR variant (1), intron variant (1).
Genome position (GRCh38, 1-based): chr17:81,933,282, T>A on the plus strand (A>T on the coding strand, the complement: PYCR1 is on the minus strand). VCF-style: chr17-81933282-T-A. GRCh37 (hg19) VCF-style: chr17-79891158-T-A.
Other names: c.799A>T, p.Thr267Ser (NM_001282279.2); c.892A>T, p.Thr298Ser (NM_001282280.2); c.973A>T, p.Thr325Ser (NM_001282281.2); c.*74A>T (NM_001330523.2); c.867+25A>T (NM_153824.3); short protein forms T325S, T267S, T298S.
Identifiers: ClinVar variation 1949324 (VCV001949324.2), dbSNP rs752293774, ClinGen allele CA8845240.
Genomic context (GRCh38, chr17:81,933,282, plus strand): 5'-TGCCCGCTGGGGCCAGGCTGCGGGGGAGCAGCTTGGTGTGGCCAGAAGGTGACAGAGCGG[T>A]CCCTGCAGGGGAGTCCAGCTTCACCTTGTCCAGGATGGTCTTCTTGATGGCGGCTGGTGA-3'
Protein context (NP_008838.2, residues 288-308): DKVKLDSPAG[Thr298Ser]ALSPSGHTKL

ClinVar aggregate classification (germline): Uncertain significance (1 of 4 stars; one submission).

Allele frequency attached by ClinVar (database versions not stated): TOPMed 0.00002; ExAC 0.00003; gnomAD 0.00003; gnomAD exomes 0.00009.
gnomAD v4.1: 130 of 1,613,868 alleles (0.0081%); highest among the groups gnomAD compares: Non-Finnish European, 0.011%; no homozygotes.

Submission:

Labcorp Genetics (formerly Invitae), Labcorp
Classification: Uncertain significance. Last evaluated: 2022-08-07. Review status: criteria provided, single submitter. Criteria: Invitae Variant Classification Sherloc (09022015). Collection method: clinical testing. Allele origin: germline.
Comment: This sequence change replaces threonine, which is neutral and polar, with serine, which is neutral and polar, at codon 298 of the PYCR1 protein (p.Thr298Ser). This variant is present in population databases (rs752293774, gnomAD 0.006%). This variant has not been reported in the literature in individuals affected with PYCR1-related conditions. Algorithms developed to predict the effect of missense changes on protein structure and function output the following: SIFT: "Tolerated"; PolyPhen-2: "Benign"; Align-GVGD: "Class C0". The serine amino acid residue is found in multiple mammalian species, which suggests that this missense change does not adversely affect protein function. In summary, the available evidence is currently insufficient to determine the role of this variant in disease. Therefore, it has been classified as a Variant of Uncertain Significance.